The following is an entry in ClinVar:

ClinVar aggregate classification (germline): Benign/Likely benign. Review status: criteria provided, multiple submitters, no conflicts (2 of 4 stars). 9 submissions from 9 submitters: Benign (2); Likely benign (6). 1 of the submissions does not count toward it. Last evaluated 2026-01-10.

Conditions:
AXIN2-related disorder.
Hereditary cancer-predisposing syndrome. Also called: Neoplastic Syndromes, Hereditary; Hereditary Cancer Syndrome; Tumor predisposition; Hereditary neoplastic syndrome. Identifiers: Orphanet 140162, MedGen C0027672, MeSH D009386, MONDO:0015356.
Oligodontia-cancer predisposition syndrome. Also called: TOOTH AGENESIS-COLORECTAL CANCER SYNDROME. Identifiers: Orphanet 300576, MedGen C1837750, MONDO:0012075, OMIM 608615. Disease mechanism: loss of function.

Allele frequency attached by ClinVar (database versions not stated): gnomAD exomes 0.00002 and 0.00004; ExAC 0.00003; ESP Exome Variant Server 0.00015; TOPMed 0.00020; gnomAD 0.00023 and 0.00024.
gnomAD v4.1: 68 of 1,607,316 alleles (0.0042%); highest among the groups gnomAD compares: African/African-American, 0.073%; no homozygotes.

Submissions (9):

Labcorp Genetics (formerly Invitae), Labcorp
Classification: Likely benign for Oligodontia-cancer predisposition syndrome. Last evaluated: 2026-01-10. Review status: criteria provided, single submitter. Criteria: Invitae Variant Classification Sherloc (09022015). Collection method: clinical testing. Allele origin: germline.

Center for Genomic Medicine, Rigshospitalet, Copenhagen University Hospital
Classification: Likely benign. Last evaluated: 2025-03-04. Review status: criteria provided, single submitter. Criteria: ACMG Guidelines, 2015. Collection method: clinical testing. Allele origin: germline.

Myriad Genetics, Inc.
Classification: Benign for Oligodontia-cancer predisposition syndrome. Last evaluated: 2024-06-28. Review status: criteria provided, single submitter. Criteria: Myriad Autosomal Dominant, Autosomal Recessive and X-Linked Classification Criteria (2023). Collection method: clinical testing. Allele origin: unknown.
Comment: This variant is considered benign. This variant is a silent/synonymous amino acid change and it is not expected to impact splicing.

Quest Diagnostics Nichols Institute San Juan Capistrano
Classification: Benign. Last evaluated: 2022-10-21. Review status: criteria provided, single submitter. Criteria: Quest Diagnostics criteria. Collection method: clinical testing. Allele origin: unknown.
Comment: To the best of our knowledge, has not been reported in the published literature. The frequency of this variant in the general population, 0.000087 (3/34304 chromosomes), is uninformative in assessment of its pathogenicity. Analysis of this variant using bioinformatics tools for the prediction of the effect of amino acid changes on protein structure and function yielded predictions that this variant is benign. Based on the available information, we are unable to determine the clinical significance of this variant.

Blueprint Genetics
Classification: Likely benign. Last evaluated: 2022-02-11. Review status: criteria provided, single submitter. Criteria: ACMG Guidelines, 2015. Collection method: clinical testing. Allele origin: germline.

GeneDx
Classification: Likely benign. Last evaluated: 2021-06-27. Review status: criteria provided, single submitter. Criteria: GeneDx Variant Classification Process June 2021. Collection method: clinical testing. Allele origin: germline. Affected: yes.

Sema4
Classification: Likely benign for Hereditary cancer-predisposing syndrome. Last evaluated: 2021-03-26. Review status: criteria provided, single submitter. Criteria: Sema4 Curation Guidelines. Collection method: curation. Allele origin: germline.

Ambry Genetics
Classification: Likely benign for Hereditary cancer-predisposing syndrome. Last evaluated: 2019-04-29. Review status: criteria provided, single submitter. Criteria: Ambry Variant Classification Scheme 2023. Collection method: clinical testing. Allele origin: germline.

PreventionGenetics, part of Exact Sciences
Classification: Likely benign for AXIN2-related condition. Last evaluated: 2023-03-02. Review status: no assertion criteria provided. Collection method: clinical testing. Allele origin: germline. Not counted in ClinVar's aggregate classification.
Comment: This variant is classified as likely benign based on ACMG/AMP sequence variant interpretation guidelines (Richards et al. 2015 PMID: 25741868, with internal and published modifications).

NM_004655.4(AXIN2):c.879A>G (p.Pro293=)

Gene: AXIN2 (axin 2; minus strand). Cytogenetic location: 17q24.1.
Variant type: single nucleotide variant.
Coding change: c.879A>G on transcript NM_004655.4 (MANE Select); coding-DNA position 879, A replaced by G.
Protein change: p.Pro293=; no amino-acid change (proline 293 retained).
Molecular consequence: synonymous variant.
Genome position (GRCh38, 1-based): chr17:65,549,597, T>C on the plus strand (A>G on the coding strand, the complement: AXIN2 is on the minus strand). VCF-style: chr17-65549597-T-C. GRCh37 (hg19) VCF-style: chr17-63545715-T-C.
Other names: c.879A>G (LRG_296t1); c.879A>G, p.Pro293= (NM_001363813.1).
Identifiers: ClinVar variation 240038 (VCV000240038.24), dbSNP rs374479599, ClinGen allele CA8718954.